The following is an entry in ClinVar:

NM_000642.3(AGL):c.1790G>A (p.Gly597Glu)

Gene: AGL (amylo-alpha-1,6-glucosidase and 4-alpha-glucanotransferase; plus strand). Cytogenetic location: 1p21.2.
Variant type: single nucleotide variant.
Coding change: c.1790G>A on transcript NM_000642.3 (MANE Select); coding-DNA position 1790, G replaced by A.
Protein change: p.Gly597Glu; replaces glycine 597 with glutamic acid.
Molecular consequence: missense variant.
Genome position (GRCh38, 1-based): chr1:99,880,686, G>A. VCF-style: chr1-99880686-G-A. GRCh37 (hg19) VCF-style: chr1-100346242-G-A.
Other names: c.1790G>A, p.Gly597Glu (NM_000028.3, NM_000643.3, NM_000644.3 and 2 more transcripts); c.1742G>A, p.Gly581Glu (NM_000646.3); c.1589G>A, p.Gly530Glu (NM_001425327.1); c.1586G>A, p.Gly529Glu (NM_001425328.1, NM_001425329.1); c.1412G>A, p.Gly471Glu (NM_001425332.1); short protein forms G597E, G581E, G471E, G529E, G530E.
Identifiers: ClinVar variation 2157554 (VCV002157554.3), dbSNP rs1321104218, ClinGen allele CA341316511.
Genomic context (GRCh38, chr1:99,880,686, plus strand): 5'-CTGCAGAGGCAATGAGTGCATATAATAGTCATGAAGAGGGCAGATTAGTTTACCGATATG[G>A]AGGAGAACCTGTTGGATCCTTTGTTCAGCCCTGTTTGAGGCCTTTAATGCCAGCTATTGC-3'
Protein context (NP_000633.2, residues 587-607): HEEGRLVYRY[Gly597Glu]GEPVGSFVQP

ClinVar aggregate classification (germline): Uncertain significance (1 of 4 stars; one submission).

Conditions:
Glycogen storage disease type III (GSD3). Also called: FORBES DISEASE; Cori disease. Identifiers: Orphanet 366, MedGen C0017922, MONDO:0009291, OMIM 232400.

Allele frequency attached by ClinVar (database versions not stated): gnomAD exomes below 0.00001.
gnomAD v4.1: 4 of 1,614,054 alleles (0.00025%); highest among the groups gnomAD compares: South Asian, 0.0044%; no homozygotes.

Submission:

Labcorp Genetics (formerly Invitae), Labcorp
Classification: Uncertain significance for Glycogen storage disease type III. Last evaluated: 2023-07-07. Review status: criteria provided, single submitter. Criteria: Invitae Variant Classification Sherloc (09022015). Collection method: clinical testing. Allele origin: germline.
Comment: In summary, the available evidence is currently insufficient to determine the role of this variant in disease. Therefore, it has been classified as a Variant of Uncertain Significance. Advanced modeling of protein sequence and biophysical properties (such as structural, functional, and spatial information, amino acid conservation, physicochemical variation, residue mobility, and thermodynamic stability) performed at Invitae indicates that this missense variant is expected to disrupt AGL protein function. ClinVar contains an entry for this variant (Variation ID: 2157554). This variant has not been reported in the literature in individuals affected with AGL-related conditions. This variant is present in population databases (no rsID available, gnomAD 0.006%). This sequence change replaces glycine, which is neutral and non-polar, with glutamic acid, which is acidic and polar, at codon 597 of the AGL protein (p.Gly597Glu).